The following is an entry in ClinVar:

ClinVar aggregate classification (germline): Uncertain significance (1 of 4 stars; one submission).

Submission:

GeneDx
Classification: Uncertain significance. Last evaluated: 2025-07-17. Review status: criteria provided, single submitter. Criteria: GeneDx Variant Classification Process June 2021. Collection method: clinical testing. Allele origin: germline. Affected: yes.
Comment: Not observed at significant frequency in large population cohorts (gnomAD); In silico analysis suggests that this missense variant does not alter protein structure/function; Has not been previously published as pathogenic or benign to our knowledge

NM_001162501.2(TNRC6B):c.2537C>T (p.Pro846Leu)

Gene: TNRC6B (trinucleotide repeat containing adaptor 6B; plus strand). Cytogenetic location: 22q13.1.
Variant type: single nucleotide variant.
Coding change: c.2537C>T on transcript NM_001162501.2 (MANE Select); coding-DNA position 2537, C replaced by T.
Protein change: p.Pro846Leu; replaces proline 846 with leucine.
Molecular consequence: missense variant. On other transcripts: intron variant (1).
Genome position (GRCh38, 1-based): chr22:40,266,767, C>T. VCF-style: chr22-40266767-C-T. GRCh37 (hg19) VCF-style: chr22-40662771-C-T.
Other names: c.2537C>T, p.Pro846Leu (NM_015088.3); c.566-3355C>T (NM_001024843.2); short protein forms P846L.
Identifiers: ClinVar variation 4686442 (VCV004686442.1).